The following is an entry in ClinVar:

ClinVar aggregate classification (germline): Uncertain significance. Review status: reviewed by expert panel (3 of 4 stars). 7 submissions from 7 submitters: Uncertain significance (1). 6 of the submissions do not count toward it. Last evaluated 2026-01-04.

Conditions:
Hereditary cancer-predisposing syndrome. Also called: Hereditary Cancer Syndrome; Hereditary neoplastic syndrome; Neoplastic Syndromes, Hereditary; Tumor predisposition. Identifiers: Orphanet 140162, MedGen C0027672, MeSH D009386, MONDO:0015356.
Hereditary breast ovarian cancer syndrome. Also called: Breast and ovarian cancer; Hereditary breast and ovarian cancer syndrome (HBOC); Hereditary breast and ovarian cancer syndrome; Hereditary breast and/or ovarian cancer syndrome; BRCA1- and BRCA2-Associated Hereditary Breast and Ovarian Cancer; Hereditary breast and ovarian cancer. Identifiers: Orphanet 145, MedGen C0677776, MeSH D061325, MONDO:0003582. Disease mechanism: loss of function.
BRCA1-related cancer predisposition. Identifiers: MedGen CN377757, MONDO:0700268.
Breast-ovarian cancer, familial, susceptibility to, 1 (BROVCA1). Also called: OVARIAN CANCER, SUSCEPTIBILITY TO; BRCA1 Hereditary Breast and Ovarian Cancer. Identifiers: Orphanet 145, MedGen C2676676, MONDO:0011450, OMIM 604370. Disease mechanism: loss of function.

gnomAD v4.1: 1 of 1,614,094 alleles (0.000062%); highest among the groups gnomAD compares: Non-Finnish European, 0.000085%; no homozygotes.

Submissions (8):

ClinGen ENIGMA BRCA1 and BRCA2 Variant Curation Expert Panel, ClinGen
Classification: Uncertain significance for BRCA1-related cancer predisposition. Last evaluated: 2026-01-04. Review status: reviewed by expert panel. Criteria: CSpec BRCA12ACMG Rules Specifications V1.1. Collection method: curation. Allele origin: germline. Inheritance: Autosomal dominant inheritance.
Comment: The c.5522G>C variant in BRCA1 is a missense variant predicted to cause substitution of Serine by Threonine at amino acid 1841 (p.(Ser1841Thr)). This variant is absent from gnomAD v2.1 (exomes only, non-cancer subset, read depth ≥25) and gnomAD v3.1 (non-cancer subset, read depth ≥25) (PM2_Supporting met). Reported by two calibrated studies with discordant results. Functional effect similar to pathogenic control variants (PMID:30209399) and between what was observed for benign and pathogenic control variants (PMID:35196514) (PS3 and BS3 not met). This BRCA1 missense variant is within a key functional domain and the computational predictor BayesDel (noAF) gives a score of 0.37, above the recommended threshold of 0.28 for prediction of impact on BRCA1 function via protein change. A SpliceAI score of 0 predicts no impact on splicing (score threshold <0.10) (PP3 met). Multifactorial likelihood ratio analysis using clinically calibrated data produced a combined LR for this variant of 0.17 (based on Family History LR=0.17), within the thresholds for moderate benign evidence (LR ≥0.05 & <0.23) (BP5_Moderate met; PMID: 31853058). In summary, this variant meets the criteria to be classified as a Variant of uncertain significance for BRCA1-related cancer predisposition based on the ACMG/AMP criteria applied as specified by the ENIGMA BRCA1/2 VCEP (PP3, BP5_Moderate, PM2_Supporting).

Myriad Genetics, Inc.
Classification: Likely benign for Breast-ovarian cancer, familial, susceptibility to, 1. Last evaluated: 2026-08-03. Review status: criteria provided, single submitter. Criteria: Myriad Autosomal Dominant, Autosomal Recessive and X-Linked Classification Criteria (2023). Collection method: clinical testing. Allele origin: unknown. Not counted in ClinVar's aggregate classification.
Comment: This variant is considered likely benign. This variant is strongly associated with less severe personal and family histories of cancer, typical for individuals without pathogenic variants in this gene [PMID: 25085752].

Labcorp Genetics (formerly Invitae), Labcorp
Classification: Likely pathogenic for Hereditary breast ovarian cancer syndrome. Last evaluated: 2026-01-08. Review status: criteria provided, single submitter. Criteria: Invitae Variant Classification Sherloc (09022015). Collection method: clinical testing. Allele origin: germline. Not counted in ClinVar's aggregate classification.
Comment: This sequence change replaces serine, which is neutral and polar, with threonine, which is neutral and polar, at codon 1841 of the BRCA1 protein (p.Ser1841Thr). This variant is not present in population databases (gnomAD no frequency). This variant has not been reported in the literature in individuals affected with BRCA1-related conditions. ClinVar contains an entry for this variant (Variation ID: 423044). Invitae Evidence Modeling incorporating data from in vitro experimental studies (PMID: 30209399) indicates that this missense variant is expected to disrupt BRCA1 function with a positive predictive value of 95%. Experimental studies have shown that this missense change affects BRCA1 function (PMID: 30209399). This variant disrupts the p.Ser1841 amino acid residue in BRCA1. Other variant(s) that disrupt this residue have been determined to be pathogenic (PMID: 20516115, 23522120, 30209399, 32885271). This suggests that this residue is clinically significant, and that variants that disrupt this residue are likely to be disease-causing. In summary, the currently available evidence indicates that the variant is pathogenic, but additional data are needed to prove that conclusively. Therefore, this variant has been classified as Likely Pathogenic.

Color Diagnostics, LLC DBA Color Health
Classification: Uncertain significance for Hereditary cancer-predisposing syndrome. Last evaluated: 2025-10-10. Review status: criteria provided, single submitter. Criteria: ACMG Guidelines, 2015. Collection method: clinical testing. Allele origin: germline. Not counted in ClinVar's aggregate classification.
Comment: This missense variant replaces serine with threonine at codon 1841 of the BRCA1 protein. Computational predictions are discordant with regards to the variant impact on protein structure and function. This variant has been reported to cause loss of BRCA1 function in a haploid cell proliferation assay (PMID: 30209399) but displayed intermediate activity in homologous recombination and cisplatin resistance assays (PMID: 35196514). A multifactorial analysis has reported a likelihood ratio for pathogenicity based on personal and family history of 0.171 from log(LR)=-0.766820848 for one carrier (PMID: 31853058). This variant has not been identified in the general population by the Genome Aggregation Database (gnomAD). Two other protein missense changes at this codon, p.Ser1841Arg/Ile, are reported as (likely) disease causing in ClinVar (variation ID: 37681, 869004, 869006) and have consensus protein impact predictions to be functionally abnormal (PMID: 27666373, 27995669, 37733863). Although there is a suspicion that this variant may be associated with disease, additional clinical studies are necessary to determine the role of this variant in disease conclusively. Therefore, this variant is classified as a Variant of Uncertain Significance.

Ambry Genetics
Classification: Likely pathogenic for Hereditary cancer-predisposing syndrome. Last evaluated: 2024-11-08. Review status: criteria provided, single submitter. Criteria: Ambry Variant Classification Scheme 2023. Collection method: clinical testing. Allele origin: germline. Not counted in ClinVar's aggregate classification.
Comment: The p.S1841T variant (also known as c.5522G>C), located in coding exon 22 of the BRCA1 gene, results from a G to C substitution at nucleotide position 5522. The serine at codon 1841 is replaced by threonine, an amino acid with similar properties. One functional study found that this nucleotide substitution is non-functional in a high-throughput, genome editing, haploid cell survival assay (Findlay GM et al. Nature, 2018 10;562:217-222). Another alteration at the same codon, p.S1841N (c.5522G>A), has been identified in individuals diagnosed with breast and/or ovarian cancer (Ryu JM et al. Breast, 2017 Jun;33:109-116; Li JY et al. Int. J. Cancer, 2019 01;144:281-289), and has been shown to have a detrimental effect on protein stability, structure, and binding in functional assays (Lee MS et al. Cancer Res., 2010 Jun;70:4880-90; Petitalot A et al. Mol. Cancer Res., 2019 01;17:54-69). This variant is considered to be rare based on population cohorts in the Genome Aggregation Database (gnomAD). This amino acid position is highly conserved in available vertebrate species. In addition, this alteration is predicted to be deleterious by in silico analysis. Based on the majority of available evidence to date, this variant is likely to be pathogenic.

Molecular Pathology, Peter Maccallum Cancer Centre
Classification: Uncertain significance for Breast-ovarian cancer, familial, susceptibility to, 1. Last evaluated: 2024-11-07. Review status: criteria provided, single submitter. Criteria: ACMG Guidelines, 2015. Collection method: clinical testing. Allele origin: germline. Inheritance: Autosomal dominant inheritance. Not counted in ClinVar's aggregate classification.

GeneDx
Classification: Uncertain significance. Last evaluated: 2017-01-06. Review status: criteria provided, single submitter. Criteria: GeneDx Variant Classification (06012015). Collection method: clinical testing. Allele origin: germline. Affected: yes. Not counted in ClinVar's aggregate classification.
Comment: This variant is denoted BRCA1 c.5522G>C at the cDNA level, p.Ser1841Thr (S1841T) at the protein level, and results in the change of a Serine to a Threonine (AGT>ACT). Using alternate nomenclature, this variant would be defined as BRCA1 5641G>C. This variant has not, to our knowledge, been published in the literature as pathogenic or benign. BRCA1 Ser1841Thr was not observed in approximately 6,500 individuals of European and African American ancestry in the NHLBI Exome Sequencing Project, suggesting it is not a common benign variant in these populations. Since Serine and Threonine share similar properties, this is considered a conservative amino acid substitution. BRCA1 Ser1841Thr occurs at a position that is conserved in mammals and is located in the BRCT 2 Domain and a region known to interact with multiple other proteins (Paul 2014, UniProt). In silico analyses are inconsistent regarding the effect this variant may have on protein structure and function. Based on currently available evidence, it is unclear whether BRCA1 Ser1841Thr is a pathogenic or benign variant. We consider it to be a variant of uncertain significance.

Brotman Baty Institute, University of Washington
No classification provided (evidence only). Condition: Breast-ovarian cancer, familial 1. Review status: no classification provided. Collection method: in vitro. Allele origin: not applicable. Functional consequence: functionally_abnormal. Not counted in ClinVar's aggregate classification.
ClinVar note: "not provided" was previously submitted as the classification for the variant. However, the classification appeared to be based only on an observation of functional data so it was converted to no classification on 2025-07-30.

Literature cited by the submitters: PubMed 25085752 (cited by Myriad Genetics, Inc.); PubMed 30209399 (cited by 3 submitters); PubMed 20516115 (cited by Labcorp Genetics (formerly Invitae), Labcorp); PubMed 23522120 (cited by Labcorp Genetics (formerly Invitae), Labcorp); PubMed 32885271 (cited by Labcorp Genetics (formerly Invitae), Labcorp); PubMed 27995669 (cited by Color Diagnostics, LLC DBA Color Health); PubMed 31853058 (cited by Color Diagnostics, LLC DBA Color Health); PubMed 35196514 (cited by Color Diagnostics, LLC DBA Color Health); PubMed 37733863 (cited by Color Diagnostics, LLC DBA Color Health).

NM_007294.4(BRCA1):c.5522G>C (p.Ser1841Thr)

Gene: BRCA1 (BRCA1 DNA repair associated; minus strand). Cytogenetic location: 17q21.31.
Variant type: single nucleotide variant.
Coding change: c.5522G>C on transcript NM_007294.4 (MANE Select); coding-DNA position 5522, G replaced by C.
Protein change: p.Ser1841Thr; replaces serine 1841 with threonine.
Molecular consequence: missense variant. On other transcripts: 3 prime UTR variant (1), non-coding transcript variant (1).
Genome position (GRCh38, 1-based): chr17:43,045,748, C>G on the plus strand (G>C on the coding strand, the complement: BRCA1 is on the minus strand). VCF-style: chr17-43045748-C-G. GRCh37 (hg19) VCF-style: chr17-41197765-C-G.
Other names: NM_007294.4(BRCA1):c.5522G>C; p.Ser1841Thr; c.5309G>C, p.Ser1770Thr (NM_001407902.1, NM_001407904.1, NM_001407906.1 and 12 more transcripts); c.2087G>C, p.Ser696Thr (NM_001408433.1, NM_001408434.1, NM_001408435.1 and 10 more transcripts); c.2084G>C, p.Ser695Thr (NM_001408446.1, NM_001408447.1, NM_001408448.1 and 2 more transcripts); c.5258G>C, p.Ser1753Thr (NM_001407923.1, NM_001407924.1, NM_001407925.1 and 4 more transcripts); c.2078G>C, p.Ser693Thr (NM_001408451.1); c.5255G>C, p.Ser1752Thr (NM_001407927.1, NM_001407928.1, NM_001407929.1 and 4 more transcripts); and 76 more; short protein forms S1841T, S737T, S1862T, S1794T, S1757T, S1799T, S1861T, S610T.
Identifiers: ClinVar variation 423044 (VCV000423044.26), dbSNP rs80357368, ClinGen allele CA10590275.